The following is an entry in ClinVar:

ClinVar aggregate classification (germline): Pathogenic (1 of 4 stars; one submission).

Conditions:
Combined immunodeficiency due to DOCK8 deficiency (HIES2). Also called: Hyper-IgE recurrent infection syndrome, autosomal recessive; DOCK8 Deficiency; HIES autosomal recessive; HYPER-IgE RECURRENT INFECTION SYNDROME 2, AUTOSOMAL RECESSIVE; HYPER-IgE SYNDROME 2, AUTOSOMAL RECESSIVE, WITH RECURRENT INFECTIONS. Identifiers: Orphanet 217390, MedGen C4722305, MONDO:0009478, OMIM 243700.

Allele frequency attached by ClinVar (database versions not stated): ExAC 0.00001; gnomAD exomes below 0.00001.
gnomAD v4.1: 2 of 1,614,154 alleles (0.00012%); highest among the groups gnomAD compares: Non-Finnish European, 0.00017%; no homozygotes.

Submission:

Labcorp Genetics (formerly Invitae), Labcorp
Classification: Pathogenic for Combined immunodeficiency due to DOCK8 deficiency. Last evaluated: 2022-04-12. Review status: criteria provided, single submitter. Criteria: Invitae Variant Classification Sherloc (09022015). Collection method: clinical testing. Allele origin: germline.
Comment: For these reasons, this variant has been classified as Pathogenic. ClinVar contains an entry for this variant (Variation ID: 1071622). This variant has not been reported in the literature in individuals affected with DOCK8-related conditions. This variant is present in population databases (rs754989398, gnomAD 0.0009%). This sequence change creates a premature translational stop signal (p.Gln1721*) in the DOCK8 gene. It is expected to result in an absent or disrupted protein product. Loss-of-function variants in DOCK8 are known to be pathogenic (PMID: 14722525, 19776401).

Literature cited by the submitters: PubMed 14722525; PubMed 19776401.

NM_203447.4(DOCK8):c.5161C>T (p.Gln1721Ter)

Gene: DOCK8 (dedicator of cytokinesis 8; plus strand). Cytogenetic location: 9p24.3.
Variant type: single nucleotide variant.
Coding change: c.5161C>T on transcript NM_203447.4 (MANE Select); coding-DNA position 5161, C replaced by T.
Protein change: p.Gln1721Ter; replaces glutamine 1721 with a stop codon.
Molecular consequence: nonsense.
Genome position (GRCh38, 1-based): chr9:439,326, C>T. VCF-style: chr9-439326-C-T. GRCh37 (hg19) VCF-style: chr9-439326-C-T.
Other names: c.4861C>T, p.Gln1621Ter (NM_001190458.2); c.4957C>T, p.Gln1653Ter (NM_001193536.2); short protein forms Q1621*, Q1653*, Q1721*.
Identifiers: ClinVar variation 1071622 (VCV001071622.12), dbSNP rs754989398, ClinGen allele CA4959325.
Genomic context (GRCh38, chr9:439,326, plus strand): 5'-GAGGAGTCTGTGGTCTCTGAGGACACCCTGTCACCTGACGAGGATGGGGTGTGCGCAGGC[C>T]AGTACTTCACCGAGAGTGGCCTGGTAGGCCTCCTGGAGCAGGCCGCGGAGCTCTTCAGCA-3'